The following is an entry in ClinVar:

ClinVar aggregate classification (germline): Uncertain significance (1 of 4 stars; one submission).

gnomAD v4.1: 1 of 1,591,902 alleles (0.000063%); highest among the groups gnomAD compares: Non-Finnish European, 0.000086%; no homozygotes.

Submission:

GeneDx
Classification: Uncertain significance. Last evaluated: 2023-08-08. Review status: criteria provided, single submitter. Criteria: GeneDx Variant Classification Process June 2021. Collection method: clinical testing. Allele origin: germline. Affected: yes.
Comment: Not observed at significant frequency in large population cohorts (gnomAD); In silico analysis supports that this missense variant does not alter protein structure/function; In silico analysis suggests this variant may impact gene splicing. In the absence of RNA/functional studies, the actual effect of this sequence change is unknown.; Has not been previously published as pathogenic or benign to our knowledge

NM_015001.3(SPEN):c.9808C>T (p.Leu3270Phe)

Gene: SPEN (spen family transcriptional repressor; plus strand). Cytogenetic location: 1p36.13.
Variant type: single nucleotide variant.
Coding change: c.9808C>T on transcript NM_015001.3 (MANE Select); coding-DNA position 9808, C replaced by T.
Protein change: p.Leu3270Phe; replaces leucine 3270 with phenylalanine.
Molecular consequence: missense variant.
Genome position (GRCh38, 1-based): chr1:15,936,048, C>T. VCF-style: chr1-15936048-C-T. GRCh37 (hg19) VCF-style: chr1-16262543-C-T.
Other names: short protein forms L3270F.
Identifiers: ClinVar variation 3361812 (VCV003361812.1).
Genomic context (GRCh38, chr1:15,936,048, plus strand): 5'-GTCCCTGTCCCTGTCCCCCTTCCTGCCCCTGCTCCTGCCCCTCATGGTGAGGCCCGTATC[C>T]TCACAGTTACCCCCAGTAACCAACTCCAGGGGCTGCCTCTGACCCCTCCTGTGGTGGTGA-3'
Protein context (NP_055816.2, residues 3260-3280): APAPHGEARI[Leu3270Phe]TVTPSNQLQG